The following continues an entry in ClinVar:

NM_000038.6(APC):c.3927_3931del (p.Glu1309fs)

Gene: APC. ClinVar aggregate classification (germline): Pathogenic. Pathogenic (1). ClinVar aggregate classification (oncogenicity): Oncogenic.

Literature cited by the submitters, continued: PubMed 30730459 (cited by Quest Diagnostics Nichols Institute San Juan Capistrano); PubMed 14523376 (cited by Mayo Clinic Laboratories, Mayo Clinic and Laboratory for Molecular Medicine, Mass General Brigham Personalized Medicine); PubMed 14734220 (cited by Mayo Clinic Laboratories, Mayo Clinic); PubMed 30340471 (cited by Mayo Clinic Laboratories, Mayo Clinic); PubMed 9950360 (cited by Color Diagnostics, LLC DBA Color Health and All of Us Research Program, National Institutes of Health); PubMed 11257105 (cited by Color Diagnostics, LLC DBA Color Health); PubMed 12007223 (cited by Color Diagnostics, LLC DBA Color Health and All of Us Research Program, National Institutes of Health); PubMed 14961559 (cited by Color Diagnostics, LLC DBA Color Health and All of Us Research Program, National Institutes of Health); PubMed 15024739 (cited by Color Diagnostics, LLC DBA Color Health and All of Us Research Program, National Institutes of Health); PubMed 15108288 (cited by Color Diagnostics, LLC DBA Color Health and All of Us Research Program, National Institutes of Health); PubMed 16088911 (cited by 3 submitters); PubMed 16134147 (cited by Color Diagnostics, LLC DBA Color Health and All of Us Research Program, National Institutes of Health); PubMed 17411426 (cited by Color Diagnostics, LLC DBA Color Health and All of Us Research Program, National Institutes of Health); PubMed 17486639 (cited by Color Diagnostics, LLC DBA Color Health and All of Us Research Program, National Institutes of Health); PubMed 17963004 (cited by 3 submitters); PubMed 18433509 (cited by Color Diagnostics, LLC DBA Color Health and All of Us Research Program, National Institutes of Health); PubMed 19531215 (cited by Color Diagnostics, LLC DBA Color Health and All of Us Research Program, National Institutes of Health); PubMed 20564245 (cited by Color Diagnostics, LLC DBA Color Health and All of Us Research Program, National Institutes of Health); PubMed 20649969 (cited by Color Diagnostics, LLC DBA Color Health and All of Us Research Program, National Institutes of Health); PubMed 20924072 (cited by Color Diagnostics, LLC DBA Color Health and All of Us Research Program, National Institutes of Health); PubMed 21078199 (cited by Color Diagnostics, LLC DBA Color Health and All of Us Research Program, National Institutes of Health); PubMed 21110124 (cited by Color Diagnostics, LLC DBA Color Health and All of Us Research Program, National Institutes of Health); PubMed 21643010 (cited by Color Diagnostics, LLC DBA Color Health and All of Us Research Program, National Institutes of Health); PubMed 21779980 (cited by Color Diagnostics, LLC DBA Color Health and All of Us Research Program, National Institutes of Health); PubMed 21901162 (cited by Color Diagnostics, LLC DBA Color Health and All of Us Research Program, National Institutes of Health); PubMed 22987206 (cited by Color Diagnostics, LLC DBA Color Health and All of Us Research Program, National Institutes of Health); PubMed 26163615 (cited by Color Diagnostics, LLC DBA Color Health and All of Us Research Program, National Institutes of Health); PubMed 26625971 (cited by Color Diagnostics, LLC DBA Color Health and All of Us Research Program, National Institutes of Health); PubMed 31360874 (cited by Sema4); PubMed 10213492 (cited by Sema4 and Laboratory for Molecular Medicine, Mass General Brigham Personalized Medicine); PubMed 14729851 (cited by Women's Health and Genetics/Laboratory Corporation of America, LabCorp); PubMed 10768871 (cited by Women's Health and Genetics/Laboratory Corporation of America, LabCorp); PubMed 17026565 (cited by Women's Health and Genetics/Laboratory Corporation of America, LabCorp); PubMed 35142982 (cited by University of Science and Technology Houari Boumediene, Laboratory of Molecular and Cellular Biology (LBCM)); DOI 10.1158/1538-7445.AM2019-655 (cited by University of Science and Technology Houari Boumediene, Laboratory of Molecular and Cellular Biology (LBCM)); PubMed 7906810 (cited by Pathway Genomics); PubMed 11247896 (cited by Pathway Genomics); PubMed 12172928 (cited by Pathway Genomics); PubMed 8162051 (cited by OMIM and GeneReviews); PubMed 8281160 (cited by OMIM and GeneReviews); PubMed 8929955 (cited by OMIM and GeneReviews); PubMed 9890479 (cited by OMIM and GeneReviews); PubMed 20301519 (cited by GeneReviews).